The following is an entry in ClinVar:

ClinVar aggregate classification (germline): Uncertain significance (1 of 4 stars; one submission).

Conditions:
Inborn genetic diseases. Identifiers: MedGen C0950123, MeSH D030342.

gnomAD v4.1: 1 of 1,613,770 alleles (0.000062%); highest among the groups gnomAD compares: Non-Finnish European, 0.000085%; no homozygotes.

Submission:

Ambry Genetics
Classification: Uncertain significance for Inborn genetic diseases. Last evaluated: 2024-05-01. Review status: criteria provided, single submitter. Criteria: Ambry Variant Classification Scheme 2023. Collection method: clinical testing. Allele origin: germline.
Comment: The p.Y115C variant (also known as c.344A>G), located in coding exon 4 of the BUB1B gene, results from an A to G substitution at nucleotide position 344. The tyrosine at codon 115 is replaced by cysteine, an amino acid with highly dissimilar properties. This amino acid position is conserved. In addition, this alteration is predicted to be deleterious by in silico analysis. Based on the available evidence, the clinical significance of this variant remains unclear.

NM_001211.6(BUB1B):c.344A>G (p.Tyr115Cys)

Gene: BUB1B (BUB1 mitotic checkpoint serine/threonine kinase B; plus strand). Cytogenetic location: 15q15.1.
Variant type: single nucleotide variant.
Coding change: c.344A>G on transcript NM_001211.6 (MANE Select); coding-DNA position 344, A replaced by G.
Protein change: p.Tyr115Cys; replaces tyrosine 115 with cysteine.
Molecular consequence: missense variant.
Genome position (GRCh38, 1-based): chr15:40,170,641, A>G. VCF-style: chr15-40170641-A-G. GRCh37 (hg19) VCF-style: chr15-40462842-A-G.
Other names: short protein forms Y115C.
Identifiers: ClinVar variation 3262251 (VCV003262251.1).